The following is an entry in ClinVar:

NM_007186.6(CEP250):c.1243G>T (p.Ala415Ser)

Genes: CEP250-AS1 (CEP250 antisense RNA 1; minus strand), CEP250 (centrosomal protein 250; plus strand). Cytogenetic location: 20q11.22.
Variant type: single nucleotide variant.
Coding change: c.1243G>T on transcript NM_007186.6 (MANE Select); coding-DNA position 1243, G replaced by T.
Protein change: p.Ala415Ser; replaces alanine 415 with serine.
Molecular consequence: missense variant. On other transcripts: 5 prime UTR variant (1).
Genome position (GRCh38, 1-based): chr20:35,473,407, G>T. VCF-style: chr20-35473407-G-T. GRCh37 (hg19) VCF-style: chr20-34061232-G-T.
Other names: c.1243G>T (NM_007186.3); c.-657G>T (NM_001318219.1); short protein forms A415S.
Identifiers: ClinVar variation 1462215 (VCV001462215.5), dbSNP rs568247716, ClinGen allele CA9832869.
Genomic context (GRCh38, chr20:35,473,407, plus strand): 5'-CTGGTTTCTCTTGCTCTCTCTCCACAGGACCTAAGGCAGCAGCTTGCAGGCTGTCAAGAG[G>T]CTGTGAACTTGTTGCAACAGCAGCATGATCAGTGGGAGGAAGAGGGCAAAGCCTTGAGAC-3'
Protein context (NP_009117.2, residues 405-425): LRQQLAGCQE[Ala415Ser]VNLLQQQHDQ

ClinVar aggregate classification (germline): Uncertain significance. Review status: criteria provided, multiple submitters, no conflicts (2 of 4 stars). 3 submissions from 3 submitters: Uncertain significance (3). Last evaluated 2024-01-02.

Allele frequency attached by ClinVar (database versions not stated): ExAC 0.00001; gnomAD 0.00001; gnomAD exomes 0.00002; 1000 Genomes Project 30x 0.00016; 1000 Genomes Project 0.00020.
gnomAD v4.1: 13 of 1,614,130 alleles (0.00081%); highest among the groups gnomAD compares: Admixed American, 0.01%; no homozygotes.

Submissions (3):

Ambry Genetics
Classification: Uncertain significance. Last evaluated: 2024-01-02. Review status: criteria provided, single submitter. Criteria: Ambry Variant Classification Scheme 2023. Collection method: clinical testing. Allele origin: germline.

Blueprint Genetics
Classification: Uncertain significance. Last evaluated: 2022-08-31. Review status: criteria provided, single submitter. Criteria: ACMG Guidelines, 2015. Collection method: clinical testing. Allele origin: germline.

Labcorp Genetics (formerly Invitae), Labcorp
Classification: Uncertain significance. Last evaluated: 2022-07-05. Review status: criteria provided, single submitter. Criteria: Invitae Variant Classification Sherloc (09022015). Collection method: clinical testing. Allele origin: germline.
Comment: This sequence change replaces alanine, which is neutral and non-polar, with serine, which is neutral and polar, at codon 415 of the CEP250 protein (p.Ala415Ser). This variant is present in population databases (rs568247716, gnomAD 0.01%). This variant has not been reported in the literature in individuals affected with CEP250-related conditions. ClinVar contains an entry for this variant (Variation ID: 1462215). Algorithms developed to predict the effect of missense changes on protein structure and function are either unavailable or do not agree on the potential impact of this missense change (SIFT: "Not Available"; PolyPhen-2: "Possibly Damaging"; Align-GVGD: "Not Available"). In summary, the available evidence is currently insufficient to determine the role of this variant in disease. Therefore, it has been classified as a Variant of Uncertain Significance.